The following is an entry in ClinVar:

NM_015270.5(ADCY6):c.3025_3027del (p.Asn1009del)

Gene: ADCY6 (adenylate cyclase 6; minus strand). Cytogenetic location: 12q13.12.
Variant type: Deletion.
Coding change: c.3025_3027del on transcript NM_015270.5 (MANE Select); coding-DNA positions 3025 to 3027, 3 bases deleted (AAC; older notation c.3025_3027delAAC).
Protein change: p.Asn1009del; deletes asparagine 1009.
Molecular consequence: inframe deletion. On other transcripts: non-coding transcript variant (1).
Genome position (GRCh38, 1-based): chr12:48,771,734-48,771,736, GTT deleted on the plus strand (AAC on the coding strand, the reverse complement: ADCY6 is on the minus strand); deleting any 3 consecutive bases within chr12:48,771,734-48,771,737 gives the same sequence; the c. name uses the placement nearest the transcript's 3' end. VCF-style (leftmost placement, unchanged base first): chr12-48771733-CGTT-C. GRCh37 (hg19) VCF-style: chr12-49165516-CGTT-C.
Other names: c.2866_2868del, p.Asn956del (NM_001390830.1); c.3025_3027del, p.Asn1009del (NM_001390831.2, NM_001412819.1, NM_001412820.1 and 2 more transcripts); short protein forms N1009del, N956del.
Identifiers: ClinVar variation 5005108 (VCV005005108.2).

ClinVar aggregate classification (germline): Uncertain significance (1 of 4 stars; one submission).

Conditions:
Lethal congenital contracture syndrome 8 (LCCS8). Identifiers: MedGen C4225385, MONDO:0014570, OMIM 616287.

Submission:

Juno Genomics, Hangzhou Juno Genomics, Inc
Classification: Uncertain significance for Lethal congenital contracture syndrome 8. Review status: criteria provided, single submitter. Criteria: ACMG Guidelines, 2015. Collection method: clinical testing. Allele origin: germline.
Comment: Absent from controls (or at extremely low frequency if recessive) in Genome Aggregation Database.;Protein length changes due to in-frame deletions/insertions in a non-repeat region or stop-loss variants.